The following is an entry in ClinVar:

ClinVar aggregate classification (germline): Uncertain significance (1 of 4 stars; one submission).

Conditions:
Spastic paraplegia. Identifiers: MedGen C0037772, HP:0001258.

Allele frequency attached by ClinVar (database versions not stated): gnomAD exomes below 0.00001; ExAC 0.00003; gnomAD 0.00003; ESP Exome Variant Server 0.00023.
gnomAD v4.1: 9 of 1,613,870 alleles (0.00056%); highest among the groups gnomAD compares: African/African-American, 0.011%; no homozygotes.

Submission:

Labcorp Genetics (formerly Invitae), Labcorp
Classification: Uncertain significance for Spastic paraplegia. Last evaluated: 2022-04-23. Review status: criteria provided, single submitter. Criteria: Invitae Variant Classification Sherloc (09022015). Collection method: clinical testing. Allele origin: germline.
Comment: Algorithms developed to predict the effect of missense changes on protein structure and function are either unavailable or do not agree on the potential impact of this missense change (SIFT: "Deleterious"; PolyPhen-2: "Probably Damaging"; Align-GVGD: "Class C15"). This variant has not been reported in the literature in individuals affected with ERLIN2-related conditions. This variant is present in population databases (rs376297176, gnomAD 0.03%). This sequence change replaces tyrosine, which is neutral and polar, with phenylalanine, which is neutral and non-polar, at codon 85 of the ERLIN2 protein (p.Tyr85Phe). In summary, the available evidence is currently insufficient to determine the role of this variant in disease. Therefore, it has been classified as a Variant of Uncertain Significance.

NM_007175.8(ERLIN2):c.254A>T (p.Tyr85Phe)

Gene: ERLIN2 (ER lipid raft associated 2; plus strand). Cytogenetic location: 8p11.23.
Variant type: single nucleotide variant.
Coding change: c.254A>T on transcript NM_007175.8 (MANE Select); coding-DNA position 254, A replaced by T.
Protein change: p.Tyr85Phe; replaces tyrosine 85 with phenylalanine.
Molecular consequence: missense variant.
Genome position (GRCh38, 1-based): chr8:37,744,372, A>T. VCF-style: chr8-37744372-A-T. GRCh37 (hg19) VCF-style: chr8-37601890-A-T.
Other names: c.254A>T, p.Tyr85Phe (NM_001003790.4, NM_001003791.3, NM_001362878.2 and 1 more transcripts); short protein forms Y85F.
Identifiers: ClinVar variation 2140016 (VCV002140016.4), dbSNP rs376297176, ClinGen allele CA4710659.